The following is an entry in ClinVar:

ClinVar aggregate classification (germline): Uncertain significance (1 of 4 stars; one submission).

Conditions:
Hereditary cancer-predisposing syndrome. Also called: Neoplastic Syndromes, Hereditary; Tumor predisposition; Hereditary Cancer Syndrome; Hereditary neoplastic syndrome. Identifiers: Orphanet 140162, MedGen C0027672, MeSH D009386, MONDO:0015356.

Submission:

Ambry Genetics
Classification: Uncertain significance for Hereditary cancer-predisposing syndrome. Last evaluated: 2025-10-13. Review status: criteria provided, single submitter. Criteria: Ambry Variant Classification Scheme 2023. Collection method: clinical testing. Allele origin: germline.
Comment: The p.F291V variant (also known as c.871T>G), located in coding exon 8 of the FANCC gene, results from a T to G substitution at nucleotide position 871. The phenylalanine at codon 291 is replaced by valine, an amino acid with highly similar properties. This amino acid position is conserved. In addition, this alteration is predicted to be deleterious by in silico analysis. Based on the available evidence, the clinical significance of this variant remains unclear.

NM_000136.3(FANCC):c.871T>G (p.Phe291Val)

Genes: AOPEP (aminopeptidase O (putative); plus strand), FANCC (FA complementation group C; minus strand). Cytogenetic location: 9q22.32.
Variant type: single nucleotide variant.
Coding change: c.871T>G on transcript NM_000136.3 (MANE Select); coding-DNA position 871, T replaced by G.
Protein change: p.Phe291Val; replaces phenylalanine 291 with valine.
Molecular consequence: missense variant.
Genome position (GRCh38, 1-based): chr9:95,126,554, A>C on the plus strand (T>G on the coding strand, the complement: FANCC is on the minus strand). VCF-style: chr9-95126554-A-C. GRCh37 (hg19) VCF-style: chr9-97888836-A-C.
Other names: c.871T>G, p.Phe291Val (NM_001243744.2, NM_001243743.2); short protein forms F291V.
Identifiers: ClinVar variation 4641083 (VCV004641083.1).